The following is an entry in ClinVar:

ClinVar aggregate classification (germline): Likely pathogenic (1 of 4 stars; one submission).

Conditions:
Heterotopia, periventricular, X-linked dominant (PVNH1). Also called: PERIVENTRICULAR NODULAR HETEROTOPIA 4; HETEROTOPIA, PERIVENTRICULAR, 1; PERIVENTRICULAR NODULAR HETEROTOPIA 1; X-linked periventricular heterotopia. Identifiers: Orphanet 2149, Orphanet 82004, MedGen C1848213, MONDO:0010233, OMIM 300049.

Submission:

Juno Genomics, Hangzhou Juno Genomics, Inc
Classification: Likely pathogenic for Heterotopia, periventricular, X-linked dominant. Review status: criteria provided, single submitter. Criteria: ACMG Guidelines, 2015. Collection method: clinical testing. Allele origin: germline. Affected: yes.
Comment: Absent from controls (or at extremely low frequency if recessive) in Genome Aggregation Database.;Null variant in a gene where loss of function (LOF) is a known mechanism of disease.

NM_001110556.2(FLNA):c.7512dup (p.Tyr2505fs)

Gene: FLNA (filamin A; minus strand). Cytogenetic location: Xq28.
Variant type: Duplication.
Coding change: c.7512dup on transcript NM_001110556.2 (MANE Select); coding-DNA position 7512, one base duplicated (C; older notation c.7512dupC).
Protein change: p.Tyr2505fs; shifts the reading frame from tyrosine 2505.
Molecular consequence: frameshift variant.
Genome position (GRCh38, 1-based): chrX:154,349,689, G duplicated on the plus strand (C on the coding strand, the reverse complement: FLNA is on the minus strand); the first of 4 consecutive G bases (chrX:154,349,689-154,349,692); duplicating any one gives the same sequence. VCF-style (leftmost placement, unchanged base first): chrX-154349688-A-AG. GRCh37 (hg19) VCF-style: chrX-153578056-A-AG.
Other names: c.7488dup, p.Tyr2497fs (NM_001456.4); short protein forms Y2497fs, Y2505fs.
Identifiers: ClinVar variation 5018963 (VCV005018963.1).